The following is an entry in ClinVar:

ClinVar aggregate classification (germline): Uncertain significance (1 of 4 stars; one submission).

Conditions:
Hereditary cancer-predisposing syndrome. Also called: Neoplastic Syndromes, Hereditary; Tumor predisposition; Hereditary Cancer Syndrome; Hereditary neoplastic syndrome. Identifiers: Orphanet 140162, MedGen C0027672, MeSH D009386, MONDO:0015356.

Submission:

Ambry Genetics
Classification: Uncertain significance for Hereditary cancer-predisposing syndrome. Last evaluated: 2026-04-28. Review status: criteria provided, single submitter. Criteria: Ambry Variant Classification Scheme 2023. Collection method: clinical testing. Allele origin: germline.
Comment: The p.L129F variant (also known as c.387G>C), located in coding exon 4 of the SDHD gene, results from a G to C substitution at nucleotide position 387. The leucine at codon 129 is replaced by phenylalanine, an amino acid with highly similar properties. This amino acid position is conserved. In addition, the in silico prediction for this alteration is inconclusive. Based on the available evidence, the clinical significance of this variant remains unclear.

NM_003002.4(SDHD):c.387G>C (p.Leu129Phe)

Gene: SDHD (succinate dehydrogenase complex subunit D; plus strand). Cytogenetic location: 11q23.1.
Variant type: single nucleotide variant.
Coding change: c.387G>C on transcript NM_003002.4 (MANE Select); coding-DNA position 387, G replaced by C.
Protein change: p.Leu129Phe; replaces leucine 129 with phenylalanine.
Molecular consequence: missense variant. On other transcripts: non-coding transcript variant (1), 3 prime UTR variant (1).
Genome position (GRCh38, 1-based): chr11:112,094,877, G>C. VCF-style: chr11-112094877-G-C. GRCh37 (hg19) VCF-style: chr11-111965601-G-C.
Other names: c.242G>C, p.Trp81Ser (NM_001276503.2); c.270G>C, p.Leu90Phe (NM_001276504.2); c.*85G>C (NM_001276506.2); short protein forms L129F, L90F, W81S.
Identifiers: ClinVar variation 4864293 (VCV004864293.1).